The following is an entry in ClinVar:

ClinVar aggregate classification (germline): Uncertain significance (1 of 4 stars; one submission).

Conditions:
Neurofibromatosis, type 1 (NF1). Also called: Neurofibromatosis, type I; NEUROFIBROMATOSIS, TYPE I, SOMATIC; Peripheral type neurofibromatosis; VON RECKLINGHAUSEN DISEASE. Identifiers: Orphanet 636, MedGen C0027831, MONDO:0018975, OMIM 162200. Disease mechanism: loss of function.

Submission:

Labcorp Genetics (formerly Invitae), Labcorp
Classification: Uncertain significance for Neurofibromatosis, type 1. Last evaluated: 2023-05-13. Review status: criteria provided, single submitter. Criteria: Invitae Variant Classification Sherloc (09022015). Collection method: clinical testing. Allele origin: germline.
Comment: In summary, the available evidence is currently insufficient to determine the role of this variant in disease. Therefore, it has been classified as a Variant of Uncertain Significance. Advanced modeling of protein sequence and biophysical properties (such as structural, functional, and spatial information, amino acid conservation, physicochemical variation, residue mobility, and thermodynamic stability) performed at Invitae indicates that this missense variant is expected to disrupt NF1 protein function. This variant has not been reported in the literature in individuals affected with NF1-related conditions. This variant is not present in population databases (gnomAD no frequency). This sequence change replaces lysine, which is basic and polar, with methionine, which is neutral and non-polar, at codon 1640 of the NF1 protein (p.Lys1640Met).

NM_001042492.3(NF1):c.4982A>T (p.Lys1661Met)

Gene: NF1 (neurofibromin 1; plus strand). Cytogenetic location: 17q11.2.
Variant type: single nucleotide variant.
Coding change: c.4982A>T on transcript NM_001042492.3 (MANE Select); coding-DNA position 4982, A replaced by T.
Protein change: p.Lys1661Met; replaces lysine 1661 with methionine.
Molecular consequence: missense variant.
Genome position (GRCh38, 1-based): chr17:31,325,966, A>T. VCF-style: chr17-31325966-A-T. GRCh37 (hg19) VCF-style: chr17-29652984-A-T.
Other names: c.4919A>T, p.Lys1640Met (NM_000267.4); short protein forms K1640M, K1661M.
Identifiers: ClinVar variation 2863846 (VCV002863846.3), dbSNP rs2151537994, ClinGen allele CA399007247.
Genomic context (GRCh38, chr17:31,325,966, plus strand): 5'-TTGTAGTGGACCTTACCCATACCGGGCCTAGCAATCGCTTTAAAACAGACTTTCTCTCTA[A>T]GTGGTTTGTTGTTTTTCCTGGCTTTGCTTACGACAACGTCTCCGCAGTCTATATCTATAA-3'
Protein context (NP_001035957.1, residues 1651-1671): SNRFKTDFLS[Lys1661Met]WFVVFPGFAY